The following is an entry in ClinVar:

ClinVar aggregate classification (germline): Uncertain significance (1 of 4 stars; one submission).

Allele frequency attached by ClinVar (database versions not stated): gnomAD exomes below 0.00001.
gnomAD v4.1: 2 of 1,613,276 alleles (0.00012%); highest among the groups gnomAD compares: Non-Finnish European, 0.00017%; no homozygotes.

Submission:

Labcorp Genetics (formerly Invitae), Labcorp
Classification: Uncertain significance. Last evaluated: 2022-06-28. Review status: criteria provided, single submitter. Criteria: Invitae Variant Classification Sherloc (09022015). Collection method: clinical testing. Allele origin: germline.
Comment: The frequency data for this variant in the population databases is considered unreliable, as metrics indicate poor data quality at this position in the gnomAD database. This sequence change replaces proline, which is neutral and non-polar, with threonine, which is neutral and polar, at codon 1276 of the NBAS protein (p.Pro1276Thr). This variant has not been reported in the literature in individuals affected with NBAS-related conditions. Algorithms developed to predict the effect of missense changes on protein structure and function are either unavailable or do not agree on the potential impact of this missense change (SIFT: "Deleterious"; PolyPhen-2: "Benign"; Align-GVGD: "Class C35"). In summary, the available evidence is currently insufficient to determine the role of this variant in disease. Therefore, it has been classified as a Variant of Uncertain Significance.

NM_015909.4(NBAS):c.3826C>A (p.Pro1276Thr)

Gene: NBAS (NBAS subunit of NRZ tethering complex; minus strand). Cytogenetic location: 2p24.3.
Variant type: single nucleotide variant.
Coding change: c.3826C>A on transcript NM_015909.4 (MANE Select); coding-DNA position 3826, C replaced by A.
Protein change: p.Pro1276Thr; replaces proline 1276 with threonine.
Molecular consequence: missense variant. On other transcripts: non-coding transcript variant (1).
Genome position (GRCh38, 1-based): chr2:15,356,408, G>T on the plus strand (C>A on the coding strand, the complement: NBAS is on the minus strand). VCF-style: chr2-15356408-G-T. GRCh37 (hg19) VCF-style: chr2-15496532-G-T.
Other names: short protein forms P1276T.
Identifiers: ClinVar variation 1389031 (VCV001389031.6), dbSNP rs757649243, ClinGen allele CA1535889.